The following is an entry in ClinVar:

ClinVar aggregate classification (germline): Uncertain significance (1 of 4 stars; one submission).

Conditions:
Cardiovascular phenotype. Identifiers: MedGen CN230736.

Submission:

Ambry Genetics
Classification: Uncertain significance for Cardiovascular phenotype. Last evaluated: 2024-01-13. Review status: criteria provided, single submitter. Criteria: Ambry Variant Classification Scheme 2023. Collection method: clinical testing. Allele origin: germline.
Comment: The p.A897G variant (also known as c.2690C>G), located in coding exon 8 of the HCN4 gene, results from a C to G substitution at nucleotide position 2690. The alanine at codon 897 is replaced by glycine, an amino acid with similar properties. This amino acid position is conserved. In addition, this alteration is predicted to be tolerated by in silico analysis. Since supporting evidence is limited at this time, the clinical significance of this alteration remains unclear.

NM_005477.3(HCN4):c.2690C>G (p.Ala897Gly)

Gene: HCN4 (hyperpolarization activated cyclic nucleotide gated potassium channel 4; minus strand). Cytogenetic location: 15q24.1.
Variant type: single nucleotide variant.
Coding change: c.2690C>G on transcript NM_005477.3 (MANE Select); coding-DNA position 2690, C replaced by G.
Protein change: p.Ala897Gly; replaces alanine 897 with glycine.
Molecular consequence: missense variant.
Genome position (GRCh38, 1-based): chr15:73,323,403, G>C on the plus strand (C>G on the coding strand, the complement: HCN4 is on the minus strand). VCF-style: chr15-73323403-G-C. GRCh37 (hg19) VCF-style: chr15-73615744-G-C.
Other names: short protein forms A897G.
Identifiers: ClinVar variation 3224719 (VCV003224719.1), dbSNP rs2549068697, ClinGen allele CA393088397.